The following is an entry in ClinVar:

ClinVar aggregate classification (germline): Pathogenic/Likely pathogenic. Review status: criteria provided, multiple submitters, no conflicts (2 of 4 stars). 4 submissions from 4 submitters: Pathogenic (1); Likely pathogenic (3). Last evaluated 2025-11-24.

Conditions:
Mitochondrial DNA depletion syndrome. Also called: mitochondrial DNA depletion. Identifiers: Orphanet 35698, MedGen C0342782, MONDO:0018158.
Mitochondrial disease. Also called: Mitochondrial disorders; Mitochondrial disorder. Identifiers: Orphanet 68380, MedGen C0751651, MeSH D028361, MONDO:0044970.

Allele frequency attached by ClinVar (database versions not stated): gnomAD exomes 0.00001; TOPMed 0.00001.
gnomAD v4.1: 8 of 1,614,042 alleles (0.0005%); highest among the groups gnomAD compares: Non-Finnish European, 0.00068%; no homozygotes.

Submissions (4):

Genomenon, Inc
Classification: Likely pathogenic for Mitochondrial disease. Last evaluated: 2025-11-24. Review status: criteria provided, single submitter. Criteria: Genomenon Sequence Variant Interpretation Standards - Updated. Collection method: curation. Allele origin: germline. Affected: yes.
Comment: TK2 p.Arg130Gln (c.389G>A) is a missense variant that changes the amino acid at residue 130 from Arginine to Glutamine. It is also described as R172Q and R99Q in the literature. This variant has been observed in multiple probands affected with mitochondrial disease in the compound heterozygous state, with a pathogenic or likely pathogenic variant confirmed in trans in at least one proband (17280874, 19736010). This variant is not present at a significant frequency in gnomAD and in silico models agree that this variant is possibly or probably damaging. In conclusion, we classify TK2 p.Arg130Gln (c.389G>A) as a likely pathogenic variant.

Women's Health and Genetics/Laboratory Corporation of America, LabCorp
Classification: Likely pathogenic for Mitochondrial DNA depletion syndrome. Last evaluated: 2024-11-04. Review status: criteria provided, single submitter. Criteria: LabCorp Variant Classification Summary - May 2015. Collection method: clinical testing. Allele origin: germline.
Comment: Variant summary: TK2 c.389G>A (p.Arg130Gln) results in a conservative amino acid change located in the Deoxynucleoside kinase of the encoded protein sequence. Three of five in-silico tools predict a damaging effect of the variant on protein function. The variant allele was found at a frequency of 8e-06 in 251298 control chromosomes. c.389G>A has been reported in the literature in compound heterozygous individuals affected with Mitochondrial DNA Depletion Syndrome - TK2 Related (Alberio_2007, Collins_2009, Chanprasert_2013). These data indicate that the variant may be associated with disease. To our knowledge, no experimental evidence demonstrating an impact on protein function has been reported. The following publications have been ascertained in the context of this evaluation (PMID: 17280874, 23932787, 19736010, 29602790). ClinVar contains an entry for this variant (Variation ID: 38989). An alternate variant that disrupt this residue (c.388C>T; p.Arg130Trp) has been reported in individuals with Mitochondrial DNA depletion syndrome, myopathic form and has been determined to be pathogenic (PMID: 20083405, 29602790). Based on the evidence outlined above, the variant was classified as likely pathogenic.

Labcorp Genetics (formerly Invitae), Labcorp
Classification: Likely pathogenic. Last evaluated: 2024-01-21. Review status: criteria provided, single submitter. Criteria: Invitae Variant Classification Sherloc (09022015). Collection method: clinical testing. Allele origin: germline.
Comment: This sequence change replaces arginine, which is basic and polar, with glutamine, which is neutral and polar, at codon 130 of the TK2 protein (p.Arg130Gln). This variant is present in population databases (rs281865492, gnomAD 0.002%). This missense change has been observed in individual(s) with autosomal recessive mitochondrial DNA depletion syndrome (PMID: 17280874, 19736010). In at least one individual the data is consistent with being in trans (on the opposite chromosome) from a pathogenic variant. This variant is also known as R172Q. ClinVar contains an entry for this variant (Variation ID: 38989). Advanced modeling of protein sequence and biophysical properties (such as structural, functional, and spatial information, amino acid conservation, physicochemical variation, residue mobility, and thermodynamic stability) performed at Invitae indicates that this missense variant is not expected to disrupt TK2 protein function with a negative predictive value of 80%. This variant disrupts the p.Arg130 amino acid residue in TK2. Other variant(s) that disrupt this residue have been determined to be pathogenic (PMID: 20083405, 29602790). This suggests that this residue is clinically significant, and that variants that disrupt this residue are likely to be disease-causing. In summary, the currently available evidence indicates that the variant is pathogenic, but additional data are needed to prove that conclusively. Therefore, this variant has been classified as Likely Pathogenic.

CeGaT Center for Human Genetics Tuebingen
Classification: Pathogenic. Last evaluated: 2018-04-01. Review status: criteria provided, single submitter. Criteria: CeGaT Center For Human Genetics Tuebingen Variant Classification Criteria Version 2. Collection method: clinical testing. Allele origin: germline. Affected: yes. Observed: 1 variant allele.

Literature cited by the submitters: PubMed 17280874 (cited by 3 submitters); PubMed 19736010 (cited by 3 submitters); PubMed 23932787 (cited by Women's Health and Genetics/Laboratory Corporation of America, LabCorp); PubMed 29602790 (cited by Women's Health and Genetics/Laboratory Corporation of America, LabCorp and Labcorp Genetics (formerly Invitae), Labcorp); PubMed 20083405 (cited by Labcorp Genetics (formerly Invitae), Labcorp).

NM_004614.5(TK2):c.389G>A (p.Arg130Gln)

Gene: TK2 (thymidine kinase 2; minus strand). Cytogenetic location: 16q21.
Variant type: single nucleotide variant.
Coding change: c.389G>A on transcript NM_004614.5 (MANE Select); coding-DNA position 389, G replaced by A.
Protein change: p.Arg130Gln; replaces arginine 130 with glutamine.
Molecular consequence: missense variant. On other transcripts: non-coding transcript variant (1).
Genome position (GRCh38, 1-based): chr16:66,529,054, C>T on the plus strand (G>A on the coding strand, the complement: TK2 is on the minus strand). VCF-style: chr16-66529054-C-T. GRCh37 (hg19) VCF-style: chr16-66562957-C-T.
Other names: c.296G>A, p.Arg99Gln (NM_001172643.1, NM_001271935.1); c.314G>A, p.Arg105Gln (NM_001172644.2); c.335G>A, p.Arg112Gln (NM_001172645.2); c.242G>A, p.Arg81Gln (NM_001271934.2); c.98G>A, p.Arg33Gln (NM_001272050.2); short protein forms R130Q, R105Q, R81Q, R99Q, R33Q, R112Q.
Identifiers: ClinVar variation 38989 (VCV000038989.50), dbSNP rs281865492, ClinGen allele CA343309.